The following is an entry in ClinVar:

NM_001164508.2(NEB):c.6930del (p.Gly2311fs)

Gene: NEB (nebulin; minus strand). Cytogenetic location: 2q23.3.
Variant type: Deletion.
Coding change: c.6930del on transcript NM_001164508.2 (MANE Select); coding-DNA position 6930, one base deleted (A; older notation c.6930delA).
Protein change: p.Gly2311fs; shifts the reading frame from glycine 2311.
Molecular consequence: frameshift variant.
Genome position (GRCh38, 1-based): chr2:151,650,871, T deleted on the plus strand (A on the coding strand, the reverse complement: NEB is on the minus strand); the first of 2 consecutive T bases (chr2:151,650,871-151,650,872); deleting either gives the same sequence. VCF-style (leftmost placement, unchanged base first): chr2-151650870-CT-C. GRCh37 (hg19) VCF-style: chr2-152507384-CT-C.
Other names: c.6930del, p.Gly2311fs (NM_001164507.2, NM_001271208.2, NM_004543.5); short protein forms G2311fs.
Identifiers: ClinVar variation 5015855 (VCV005015855.1).

ClinVar aggregate classification (germline): Pathogenic (1 of 4 stars; one submission).

Conditions:
Nemaline myopathy 2 (NEM2). Also called: Nemaline myopathy 2, autosomal recessive. Identifiers: MedGen C1850569, MONDO:0009725, OMIM 256030.

Submission:

Myriad Genetics, Inc.
Classification: Pathogenic for Nemaline myopathy 2. Last evaluated: 2026-05-02. Review status: criteria provided, single submitter. Criteria: Myriad Autosomal Dominant, Autosomal Recessive and X-Linked Classification Criteria (2023). Collection method: clinical testing. Allele origin: unknown.
Comment: NM_001271208.1(NEB):c.6930delA(G2311Afs*25) is expected to be pathogenic in the context of NEB-related nemaline myopathy. This variant is predicted to lead to an abnormal or absent protein product due to the creation of a premature termination codon in NEB, a gene where loss-of-function variants are known to be pathogenic. Please note: this variant was assessed in the context of healthy population screening.